The following is an entry in ClinVar:

ClinVar aggregate classification (germline): Uncertain significance (1 of 4 stars; one submission).

Conditions:
Familial cancer of breast. Also called: Hereditary breast cancer; hereditary breast carcinoma; BREAST CANCER, FAMILIAL. Identifiers: Orphanet 227535, MedGen C0346153, MONDO:0016419, OMIM 114480. Disease mechanism: loss of function.

Submission:

Labcorp Genetics (formerly Invitae), Labcorp
Classification: Uncertain significance for Hereditary Breast Carcinoma. Last evaluated: 2019-04-14. Review status: criteria provided, single submitter. Criteria: Invitae Variant Classification Sherloc (09022015). Collection method: clinical testing. Allele origin: germline.
Comment: This variant results in a copy number gain of the genomic region encompassing exons 1-2 of the BARD1 gene. The 5' end of this event is unknown as it extends beyond the assayed region for this gene and therefore may encompass additional genes. The 3' boundary is likely confined to intron 2 of the BARD1 gene. As the precise location of this event is unknown, it may be in tandem or it may be located elsewhere in the genome. This duplication has not been reported in the literature in individuals with a BARD1-related disease. In summary, the exact genomic location of this variant is unknown and the impact of this duplication on BARD1 protein function has not been established. Therefore, it has been classified as a Variant of Uncertain Significance.

NC_000002.11:g.(?_215661775)_(215674303_?)dup

Genes: BARD1 (BRCA1 associated RING domain 1; minus strand), LOC129935542 (ATAC-STARR-seq lymphoblastoid active region 17072; plus strand), LOC129935543 (ATAC-STARR-seq lymphoblastoid active region 17073; plus strand). Cytogenetic location: 2q35.
Variant type: Duplication.
Identifiers: ClinVar variation 584226 (VCV000584226.4).